The following is an entry in ClinVar:

ClinVar aggregate classification (germline): Likely pathogenic (1 of 4 stars; one submission).

Conditions:
Dilated cardiomyopathy 1G (CMD1G). Identifiers: Orphanet 154, MedGen C1858763, MONDO:0011400, OMIM 604145.

Submission:

Victorian Clinical Genetics Services, Murdoch Childrens Research Institute
Classification: Likely pathogenic for Dilated cardiomyopathy 1G. Last evaluated: 2023-12-21. Review status: criteria provided, single submitter. Criteria: ACMG Guidelines, 2015. Collection method: clinical testing. Allele origin: germline. Inheritance: Autosomal dominant inheritance.
Comment: Based on the classification scheme VCGS_Germline_v1.3.4, this variant is classified as Likely pathogenic. Following criteria are met: 0102 - Loss of function is known mechanism of disease in this gene. In addition, dominant-negative is also a suggested mechanism (PMID: 25589632). (I) 0108 - This gene is associated with both recessive and dominant disease (OMIM). (I) 0112 - The condition associated with this gene has incomplete penetrance. Variants in this gene that result in a premature termination codon (PTC) are known to have reduced penetrance in DCM (PMID: 25589632). (I) 0201 - Variant is predicted to cause nonsense-mediated decay (NMD) and loss of protein (premature termination codon is located at least 54 nucleotides upstream of the final exon-exon junction). (SP) 0251 - This variant is heterozygous. (I) 0301 - Variant is absent from gnomAD (both v2 and v3). (SP) 0600 - Variant is located in the annotated A-band and the exon has a PSI score of 100% (PMID: 25589632). (I) 0702 - Other NMD-predicted variants comparable to the one identified in this case have strong previous evidence for pathogenicity (ClinVar). (SP) 0807 - This variant has no previous evidence of pathogenicity. (I) 0905 - No published segregation evidence has been identified for this variant. (I) 1007 - No published functional evidence has been identified for this variant. (I) 1208 - Inheritance information for this variant is not currently available in this individual. (I) Legend: (SP) - Supporting pathogenic, (I) - Information, (SB) - Supporting benign

Literature cited by the submitters: PubMed 25589632.

NM_001267550.2(TTN):c.87814del (p.Tyr29272fs)

Genes: TTN-AS1 (TTN antisense RNA 1; plus strand), TTN (titin; minus strand). Cytogenetic location: 2q31.2.
Variant type: Deletion.
Coding change: c.87814del on transcript NM_001267550.2 (MANE Select); coding-DNA position 87814, one base deleted (T; older notation c.87814delT).
Protein change: p.Tyr29272fs; shifts the reading frame from tyrosine 29272.
Molecular consequence: frameshift variant.
Genome position (GRCh38, 1-based): chr2:178,557,448, A deleted on the plus strand (T on the coding strand, the reverse complement: TTN is on the minus strand). VCF-style (leftmost placement, unchanged base first): chr2-178557447-TA-T. GRCh37 (hg19) VCF-style: chr2-179422174-TA-T.
Other names: c.82891del, p.Tyr27631fs (NM_001256850.1); c.60619del, p.Tyr20207fs (NM_003319.4); c.80110del, p.Tyr26704fs (NM_133378.4); c.60994del, p.Tyr20332fs (NM_133432.3); c.61195del, p.Tyr20399fs (NM_133437.4); short protein forms Y20207fs, Y20332fs, Y20399fs, Y26704fs, Y27631fs, Y29272fs.
Identifiers: ClinVar variation 3377431 (VCV003377431.1).